The following is an entry in ClinVar:

ClinVar aggregate classification (germline): Uncertain significance (0 of 4 stars; one submission).

Conditions:
Galactosylceramide beta-galactosidase deficiency. Also called: GALACTOCEREBROSIDASE DEFICIENCY; GALC DEFICIENCY; GLOBOID CELL LEUKOENCEPHALOPATHY; Leukodystrophy, Globoid Cell; Krabbe Disease. Identifiers: Orphanet 487, MedGen C0023521, MONDO:0009499, OMIM 245200.

Submission:

Genetics laboratory, Institute of Kidney Diseases & Research Centre Dr. H.L. Trivedi Institute Of Transplantation Sciences
Classification: Uncertain significance for Galactosylceramide beta-galactosidase deficiency. Review status: no assertion criteria provided. Collection method: clinical testing. Allele origin: germline. Inheritance: Autosomal recessive inheritance. Affected: yes. Observed: 1 variant allele, 1 homozygote.
Comment: Reported Likely Pathogenic in Franklin and Varsome Classified Based on PP3,PM2,PP2. Mutation match with phenotype

NM_000153.4(GALC):c.494A>G (p.Tyr165Cys)

Gene: GALC (galactosylceramidase; minus strand). Cytogenetic location: 14q31.3.
Variant type: single nucleotide variant.
Coding change: c.494A>G on transcript NM_000153.4 (MANE Select); coding-DNA position 494, A replaced by G.
Protein change: p.Tyr165Cys; replaces tyrosine 165 with cysteine.
Molecular consequence: missense variant. On other transcripts: 5 prime UTR variant (2), non-coding transcript variant (1).
Genome position (GRCh38, 1-based): chr14:87,984,482, T>C on the plus strand (A>G on the coding strand, the complement: GALC is on the minus strand). VCF-style: chr14-87984482-T-C. GRCh37 (hg19) VCF-style: chr14-88450826-T-C.
Other names: c.425A>G, p.Tyr142Cys (NM_001201401.2); c.416A>G, p.Tyr139Cys (NM_001201402.2); c.326A>G, p.Tyr109Cys (NM_001424071.1, NM_001424072.1, NM_001424073.1); c.146A>G, p.Tyr49Cys (NM_001424074.1, NM_001424075.1); c.-174A>G (NM_001424076.1, NM_001424077.1); short protein forms Y109C, Y139C, Y142C, Y165C, Y49C.
Identifiers: ClinVar variation 4073694 (VCV004073694.1).